The following is an entry in ClinVar:

ClinVar aggregate classification (germline): Uncertain significance (1 of 4 stars; one submission).

Submission:

Labcorp Genetics (formerly Invitae), Labcorp
Classification: Uncertain significance. Last evaluated: 2024-10-25. Review status: criteria provided, single submitter. Criteria: Invitae Variant Classification Sherloc (09022015). Collection method: clinical testing. Allele origin: germline.
Comment: This sequence change replaces arginine, which is basic and polar, with leucine, which is neutral and non-polar, at codon 1045 of the CEP250 protein (p.Arg1045Leu). This variant is not present in population databases (gnomAD no frequency). This variant has not been reported in the literature in individuals affected with CEP250-related conditions. ClinVar contains an entry for this variant (Variation ID: 1374065). An algorithm developed to predict the effect of missense changes on protein structure and function (PolyPhen-2) suggests that this variant is likely to be tolerated. In summary, the available evidence is currently insufficient to determine the role of this variant in disease. Therefore, it has been classified as a Variant of Uncertain Significance.

NM_007186.6(CEP250):c.3134G>T (p.Arg1045Leu)

Gene: CEP250 (centrosomal protein 250; plus strand). Cytogenetic location: 20q11.22.
Variant type: single nucleotide variant.
Coding change: c.3134G>T on transcript NM_007186.6 (MANE Select); coding-DNA position 3134, G replaced by T.
Protein change: p.Arg1045Leu; replaces arginine 1045 with leucine.
Molecular consequence: missense variant.
Genome position (GRCh38, 1-based): chr20:35,494,624, G>T. VCF-style: chr20-35494624-G-T. GRCh37 (hg19) VCF-style: chr20-34082451-G-T.
Other names: c.1238G>T, p.Arg413Leu (NM_001318219.1); short protein forms R1045L, R413L.
Identifiers: ClinVar variation 1374065 (VCV001374065.8), dbSNP rs763406705, ClinGen allele CA408742249.
Genomic context (GRCh38, chr20:35,494,624, plus strand): 5'-CCCAGAGGCTGGTGGAGCAGGAGGTTCAGGAGAAGCTGAGAGAGACCCAGGAGTATAACC[G>T]AATTCAGAAGGAGCTGGAGAGAGAGAAAGCCAGGTAGGCTAGATAGGCCATGGAGGTGGC-3'
Protein context (NP_009117.2, residues 1035-1055): EKLRETQEYN[Arg1045Leu]IQKELEREKA